The following is an entry in ClinVar:

ClinVar aggregate classification (germline): Benign (1 of 4 stars; one submission).

gnomAD v4.1: 18,496 of 1,597,044 alleles (1.2%); highest among the groups gnomAD compares: Non-Finnish European, 1.4%; 150 homozygotes.

Submission:

CeGaT Center for Human Genetics Tuebingen
Classification: Benign. Last evaluated: 2026-04-01. Review status: criteria provided, single submitter. Criteria: CeGaT Center For Human Genetics Tuebingen Variant Classification Criteria Version 2. Collection method: clinical testing. Allele origin: germline. Affected: yes. Observed: 4 variant alleles.
Comment: GNAT3: BP4, BP7, BS1, BS2

NM_001102386.3(GNAT3):c.1014A>G (p.Ala338=)

Gene: GNAT3 (G protein subunit alpha transducin 3; minus strand). Cytogenetic location: 7q21.11.
Variant type: single nucleotide variant.
Coding change: c.1014A>G on transcript NM_001102386.3 (MANE Select); coding-DNA position 1014, A replaced by G.
Protein change: p.Ala338=; no amino-acid change (alanine 338 retained).
Molecular consequence: synonymous variant.
Genome position (GRCh38, 1-based): chr7:80,458,722, T>C on the plus strand (A>G on the coding strand, the complement: GNAT3 is on the minus strand). VCF-style: chr7-80458722-T-C. GRCh37 (hg19) VCF-style: chr7-80088038-T-C.
Identifiers: ClinVar variation 3777778 (VCV003777778.7).
Genomic context (GRCh38, chr7:80,458,722, plus strand): 5'-AATAGTTGATTAGAAAAGCCCACAGTCTTTTAGATTCTCTTTGATTATTATATCTGTAAC[T>C]GCGTCAAACACAAACTTGACATTTTGGGTGTCAGTAGCACAGGTCATGTGGGAATAAATT-3'
Protein context (NP_001095856.1, residues 328-348): DTQNVKFVFD[Ala338=]VTDIIIKENL